The following is an entry in ClinVar:

NM_000531.6(OTC):c.587A>T (p.Asp196Val)

Gene: OTC (ornithine transcarbamylase; plus strand). Cytogenetic location: Xp11.4.
Variant type: single nucleotide variant.
Coding change: c.587A>T on transcript NM_000531.6 (MANE Select); coding-DNA position 587, A replaced by T.
Protein change: p.Asp196Val; replaces aspartic acid 196 with valine.
Molecular consequence: missense variant.
Genome position (GRCh38, 1-based): chrX:38,403,664, A>T. VCF-style: chrX-38403664-A-T. GRCh37 (hg19) VCF-style: chrX-38262917-A-T.
Other names: short protein forms D196V.
Identifiers: ClinVar variation 97259 (VCV000097259.2), dbSNP rs72556300, ClinGen allele CA224694.

ClinVar aggregate classification (germline): Pathogenic (0 of 4 stars; one submission).

Submission:

GenMed Metabolism Lab
Classification: Pathogenic. Review status: no assertion criteria provided. Collection method: not provided. Allele origin: unknown.
Comment: p.Asp196Val, Neonatal, Increased Km for ornithine
ClinVar note: Converted during submission from pathogenic to Pathogenic.